The following is an entry in ClinVar:

NM_001122630.2(CDKN1C):c.60_61del (p.Ser21fs)

Gene: CDKN1C (cyclin dependent kinase inhibitor 1C; minus strand). Cytogenetic location: 11p15.4.
Variant type: Deletion.
Coding change: c.60_61del on transcript NM_001122630.2 (MANE Select); coding-DNA positions 60 to 61, 2 bases deleted (CA; older notation c.60_61delCA).
Protein change: p.Ser21fs; shifts the reading frame from serine 21.
Molecular consequence: frameshift variant.
Genome position (GRCh38, 1-based): chr11:2,885,396-2,885,397, TG deleted on the plus strand (CA on the coding strand, the reverse complement: CDKN1C is on the minus strand). VCF-style (leftmost placement, unchanged base first): chr11-2885395-CTG-C. GRCh37 (hg19) VCF-style: chr11-2906625-CTG-C.
Other names: c.93_94del, p.Ser32fs (NM_000076.2, NM_001362474.2); c.60_61del, p.Ser21fs (NM_001122631.2, NM_001362475.2); short protein forms S21fs, S32fs.
Identifiers: ClinVar variation 1379126 (VCV001379126.6), dbSNP rs2133786397, ClinGen allele CA2573145968.

ClinVar aggregate classification (germline): Pathogenic (1 of 4 stars; one submission).

Conditions:
Beckwith-Wiedemann syndrome (BWS). Also called: Exomphalos macroglossia gigantism syndrome; EMG SYNDROME. Identifiers: Orphanet 116, MedGen C0004903, MONDO:0007534, OMIM 130650.

Submission:

Labcorp Genetics (formerly Invitae), Labcorp
Classification: Pathogenic for Beckwith-Wiedemann syndrome. Last evaluated: 2021-06-26. Review status: criteria provided, single submitter. Criteria: Invitae Variant Classification Sherloc (09022015). Collection method: clinical testing. Allele origin: germline.
Comment: This sequence change creates a premature translational stop signal (p.Ser32Profs*92) in the CDKN1C gene. It is expected to result in an absent or disrupted protein product. Loss-of-function variants in CDKN1C are known to be pathogenic (PMID: 20503313). This variant is not present in population databases (ExAC no frequency). This variant has not been reported in the literature in individuals with CDKN1C-related conditions. For these reasons, this variant has been classified as Pathogenic.

Literature cited by the submitters: PubMed 20503313.